The following is an entry in ClinVar:

NM_001081550.2(THOC2):c.3509C>G (p.Ser1170Cys)

Gene: THOC2 (THO complex subunit 2; minus strand). Cytogenetic location: Xq25.
Variant type: single nucleotide variant.
Coding change: c.3509C>G on transcript NM_001081550.2 (MANE Select); coding-DNA position 3509, C replaced by G.
Protein change: p.Ser1170Cys; replaces serine 1170 with cysteine.
Molecular consequence: missense variant.
Genome position (GRCh38, 1-based): chrX:123,623,278, G>C on the plus strand (C>G on the coding strand, the complement: THOC2 is on the minus strand). VCF-style: chrX-123623278-G-C. GRCh37 (hg19) VCF-style: chrX-122757129-G-C.
Other names: short protein forms S1170C.
Identifiers: ClinVar variation 3907772 (VCV003907772.1).

ClinVar aggregate classification (germline): Uncertain significance (1 of 4 stars; one submission).

Submission:

GeneDx
Classification: Uncertain significance. Last evaluated: 2024-12-22. Review status: criteria provided, single submitter. Criteria: GeneDx Variant Classification Process June 2021. Collection method: clinical testing. Allele origin: germline. Affected: yes.
Comment: Not observed at significant frequency in large population cohorts (gnomAD); In silico analysis indicates that this missense variant does not alter protein structure/function; Has not been previously published as pathogenic or benign to our knowledge